The following is an entry in ClinVar:

NM_002529.4(NTRK1):c.824A>C (p.Glu275Ala)

Gene: NTRK1 (neurotrophic receptor tyrosine kinase 1; plus strand). Cytogenetic location: 1q23.1.
Variant type: single nucleotide variant.
Coding change: c.824A>C on transcript NM_002529.4 (MANE Select); coding-DNA position 824, A replaced by C.
Protein change: p.Glu275Ala; replaces glutamic acid 275 with alanine.
Molecular consequence: missense variant.
Genome position (GRCh38, 1-based): chr1:156,871,729, A>C. VCF-style: chr1-156871729-A-C. GRCh37 (hg19) VCF-style: chr1-156841521-A-C.
Other names: c.734A>C, p.Glu245Ala (NM_001007792.1); c.824A>C, p.Glu275Ala (NM_001012331.2); c.824A>C (NM_002529.3); short protein forms E245A, E275A.
Identifiers: ClinVar variation 704862 (VCV000704862.13), dbSNP rs138533001, ClinGen allele CA1169104.
Genomic context (GRCh38, chr1:156,871,729, plus strand): 5'-CCAGTGACCTCAACAGGAAGAACGTGACGTGCTGGGCAGAGAACGATGTGGGCCGGGCAG[A>C]GGTCTCTGTTCAGGTCAACGTCTCCTGTGAGTCTCAGTGGCAGCTCCGGCACCCACCCCC-3'
Protein context (NP_002520.2, residues 265-285): CWAENDVGRA[Glu275Ala]VSVQVNVSFP

ClinVar aggregate classification (germline): Likely benign. Review status: criteria provided, multiple submitters, no conflicts (2 of 4 stars). 3 submissions from 3 submitters: Likely benign (2). 1 of the submissions does not count toward it. Last evaluated 2026-01-18.

Conditions:
NTRK1-related disorder. Also called: NTRK1-related condition.
Hereditary insensitivity to pain with anhidrosis (CIPA). Also called: hereditary sensory and autonomic neuropathy type 4; NTRK1 Congenital Insensitivity to Pain with Anhidrosis; HSAN Type IV; NEUROPATHY, CONGENITAL SENSORY, WITH ANHIDROSIS; INSENSITIVITY TO PAIN, CONGENITAL, WITH ANHIDROSIS; FAMILIAL DYSAUTONOMIA, TYPE II. Identifiers: Orphanet 642, MedGen C0020074, MONDO:0009746, OMIM 256800.

Allele frequency attached by ClinVar (database versions not stated): 1000 Genomes Project 0.00020; gnomAD exomes 0.00003 and 0.00017; gnomAD 0.00007 and 0.00008; TOPMed 0.00009; 1000 Genomes Project 30x 0.00016; ExAC 0.00018.
gnomAD v4.1: 83 of 1,614,216 alleles (0.0051%); highest among the groups gnomAD compares: East Asian, 0.1%; 1 homozygote.

Submissions (3):

Labcorp Genetics (formerly Invitae), Labcorp
Classification: Likely benign for Hereditary insensitivity to pain with anhidrosis. Last evaluated: 2026-01-18. Review status: criteria provided, single submitter. Criteria: Invitae Variant Classification Sherloc (09022015). Collection method: clinical testing. Allele origin: germline.

PreventionGenetics, part of Exact Sciences
Classification: Likely benign for NTRK1-related condition. Last evaluated: 2025-06-04. Review status: criteria provided, single submitter. Criteria: ACMG Guidelines, 2015. Collection method: clinical testing. Allele origin: germline.
Comment: This variant is classified as likely benign based on ACMG/AMP sequence variant interpretation guidelines (Richards et al. 2015 PMID: 25741868, with internal and published modifications).

Natera, Inc.
Classification: Uncertain significance for Hereditary insensitivity to pain with anhidrosis. Last evaluated: 2020-04-17. Review status: no assertion criteria provided. Collection method: clinical testing. Allele origin: germline. Not counted in ClinVar's aggregate classification.